The following is an entry in ClinVar:

ClinVar aggregate classification (germline): Likely benign (0 of 4 stars; one submission).

Conditions:
KIRREL1-related disorder. Also called: KIRREL1-related condition.

Allele frequency attached by ClinVar (database versions not stated): TOPMed 0.00004; gnomAD 0.00015; ExAC 0.00061; 1000 Genomes Project 30x 0.00125; 1000 Genomes Project 0.00140.
gnomAD v4.1: 398 of 1,614,162 alleles (0.025%); highest among the groups gnomAD compares: South Asian, 0.4%; 7 homozygotes.

Submission:

PreventionGenetics, part of Exact Sciences
Classification: Likely benign for KIRREL1-related condition. Last evaluated: 2020-08-04. Review status: no assertion criteria provided. Collection method: clinical testing. Allele origin: germline.
Comment: This variant is classified as likely benign based on ACMG/AMP sequence variant interpretation guidelines (Richards et al. 2015 PMID: 25741868, with internal and published modifications).

NM_018240.7(KIRREL1):c.1080G>A (p.Ser360=)

Gene: KIRREL1 (kirre like nephrin family adhesion molecule 1; plus strand). Cytogenetic location: 1q23.1.
Variant type: single nucleotide variant.
Coding change: c.1080G>A on transcript NM_018240.7 (MANE Select); coding-DNA position 1080, G replaced by A.
Protein change: p.Ser360=; no amino-acid change (serine 360 retained).
Molecular consequence: synonymous variant.
Genome position (GRCh38, 1-based): chr1:158,089,537, G>A. VCF-style: chr1-158089537-G-A. GRCh37 (hg19) VCF-style: chr1-158059327-G-A.
Other names: c.780G>A, p.Ser260= (NM_001286349.2).
Identifiers: ClinVar variation 3035208 (VCV003035208.2), dbSNP rs201805473, ClinGen allele CA1177574.